The following is an entry in ClinVar:

ClinVar aggregate classification (germline): Uncertain significance (1 of 4 stars; one submission).

gnomAD v4.1: 31 of 1,612,704 alleles (0.0019%); highest among the groups gnomAD compares: African/African-American, 0.0027%; no homozygotes.

Submission:

Labcorp Genetics (formerly Invitae), Labcorp
Classification: Uncertain significance. Last evaluated: 2025-07-02. Review status: criteria provided, single submitter. Criteria: Invitae Variant Classification Sherloc (09022015). Collection method: clinical testing. Allele origin: germline.
Comment: This sequence change replaces threonine, which is neutral and polar, with serine, which is neutral and polar, at codon 211 of the CLIC5 protein (p.Thr211Ser). This variant is present in population databases (rs764348630, gnomAD 0.007%). This variant has not been reported in the literature in individuals affected with CLIC5-related conditions. An algorithm developed to predict the effect of missense changes on protein structure and function (PolyPhen-2) suggests that this variant is likely to be disruptive. In summary, the available evidence is currently insufficient to determine the role of this variant in disease. Therefore, it has been classified as a Variant of Uncertain Significance.

NM_016929.5(CLIC5):c.154A>T (p.Thr52Ser)

Gene: CLIC5 (chloride intracellular channel 5; minus strand). Cytogenetic location: 6p21.1.
Variant type: single nucleotide variant.
Coding change: c.154A>T on transcript NM_016929.5 (MANE Select); coding-DNA position 154, A replaced by T.
Protein change: p.Thr52Ser; replaces threonine 52 with serine.
Molecular consequence: missense variant.
Genome position (GRCh38, 1-based): chr6:45,955,154, T>A on the plus strand (A>T on the coding strand, the complement: CLIC5 is on the minus strand). VCF-style: chr6-45955154-T-A. GRCh37 (hg19) VCF-style: chr6-45922891-T-A.
Other names: c.631A>T, p.Thr211Ser (NM_001114086.2, NM_001370650.1); c.154A>T, p.Thr52Ser (NM_001256023.2); c.37A>T, p.Thr13Ser (NM_001370649.1); short protein forms T211S, T52S, T13S.
Identifiers: ClinVar variation 4752999 (VCV004752999.1).